The following is an entry in ClinVar:

ClinVar aggregate classification (germline): Conflicting classifications of pathogenicity. Review status: criteria provided, conflicting classifications (1 of 4 stars). 5 submissions from 5 submitters: Uncertain significance (3); Likely benign (1). 1 of the submissions does not count toward it. Last evaluated 2026-02-24.

Conditions:
Usher syndrome type 1F (USH1F). Also called: USHER SYNDROME, TYPE IF. Identifiers: Orphanet 231169, Orphanet 886, MedGen C1865885, MONDO:0011186, OMIM 602083.
PCDH15-related disorder. Also called: PCDH15-related disorders; PCDH15-related condition.

Allele frequency attached by ClinVar (database versions not stated): ExAC 0.00004; gnomAD exomes 0.00004; ESP Exome Variant Server 0.00023; TOPMed 0.00029; gnomAD 0.00031 and 0.00034.
gnomAD v4.1: 90 of 1,609,036 alleles (0.0056%); highest among the groups gnomAD compares: African/African-American, 0.086%; no homozygotes.

Submissions (5):

PreventionGenetics, part of Exact Sciences
Classification: Uncertain significance for PCDH15-related condition. Last evaluated: 2026-02-24. Review status: criteria provided, single submitter. Criteria: ACMG Guidelines, 2015. Collection method: clinical testing. Allele origin: germline.
Comment: The PCDH15 c.662A>G variant is predicted to result in the amino acid substitution p.Asn221Ser. This variant was previously reported, in the heterozygous state along with a second potentially causative variant, in an individual with hearing loss (Table S3, reported as p.Asn226Ser, Sloan-Heggen et al. 2016. PubMed ID: 26969326). This variant is present in 0.060% of alleles in individuals of African descent in gnomAD. At this time, the clinical significance of this variant is uncertain due to the absence of conclusive functional and genetic evidence.

Labcorp Genetics (formerly Invitae), Labcorp
Classification: Likely benign. Last evaluated: 2026-01-22. Review status: criteria provided, single submitter. Criteria: Invitae Variant Classification Sherloc (09022015). Collection method: clinical testing. Allele origin: germline.

GeneDx
Classification: Uncertain significance. Last evaluated: 2025-01-06. Review status: criteria provided, single submitter. Criteria: GeneDx Variant Classification Process June 2021. Collection method: clinical testing. Allele origin: germline. Affected: yes.
Comment: Observed with the PCDH15 R1405H variant in a patient with hearing loss in published literature; it is not known whether the variants occurred on the same (in cis) or on different (in trans) chromosomes; described as N226S using alternate nomenclature (PMID: 26969326); In silico analysis supports that this missense variant has a deleterious effect on protein structure/function; This variant is associated with the following publications: (PMID: 26969326)

Blueprint Genetics
Classification: Uncertain significance. Last evaluated: 2022-05-05. Review status: criteria provided, single submitter. Criteria: ACMG Guidelines, 2015. Collection method: clinical testing. Allele origin: germline.

Natera, Inc.
Classification: Uncertain significance for Usher syndrome type 1F. Last evaluated: 2020-02-28. Review status: no assertion criteria provided. Collection method: clinical testing. Allele origin: germline. Not counted in ClinVar's aggregate classification.

NM_001384140.1(PCDH15):c.662A>G (p.Asn221Ser)

Gene: PCDH15 (protocadherin related 15; minus strand). Cytogenetic location: 10q21.1.
Variant type: single nucleotide variant.
Coding change: c.662A>G on transcript NM_001384140.1 (MANE Select); coding-DNA position 662, A replaced by G.
Protein change: p.Asn221Ser; replaces asparagine 221 with serine.
Molecular consequence: missense variant. On other transcripts: intron variant (1).
Genome position (GRCh38, 1-based): chr10:54,329,639, T>C on the plus strand (A>G on the coding strand, the complement: PCDH15 is on the minus strand). VCF-style: chr10-54329639-T-C. GRCh37 (hg19) VCF-style: chr10-56089399-T-C.
Other names: c.677A>G, p.Asn226Ser (NM_001142763.2, NM_001142769.4, NM_001142771.2); c.662A>G, p.Asn221Ser (NM_001142764.2, NM_001354411.2, NM_001354420.2 and 7 more transcripts); c.595-12198A>G (NM_001142767.2); c.596A>G, p.Asn199Ser (NM_001142768.2, NM_001142773.2, NM_001354404.2); short protein forms N226S, N199S, N221S.
Identifiers: ClinVar variation 971313 (VCV000971313.16), dbSNP rs139547641, ClinGen allele CA5506631.